The following is an entry in ClinVar:

NM_020338.4(ZMIZ1):c.426-4246C>T

Genes: ZMIZ1 (zinc finger MIZ-type containing 1; plus strand), LOC128462388 (CRISPRi-FlowFISH-validated PPIF regulatory element GRCh37_chr10:81044989-81045489; plus strand). Cytogenetic location: 10q22.3.
Variant type: single nucleotide variant.
Coding change: c.426-4246C>T on transcript NM_020338.4 (MANE Select); 4246 bases into the intron before coding-DNA position 426, C replaced by T.
Molecular consequence: intron variant.
Genome position (GRCh38, 1-based): chr10:79,285,529, C>T. VCF-style: chr10-79285529-C-T. GRCh37 (hg19) VCF-style: chr10-81045286-C-T.
Identifiers: ClinVar variation 2640632 (VCV002640632.24), dbSNP rs570520774, ClinGen allele CA5572317.

ClinVar aggregate classification (germline): Likely benign (1 of 4 stars; one submission).

Allele frequency attached by ClinVar (database versions not stated): TOPMed 0.00002; gnomAD 0.00016; gnomAD exomes 0.00098; 1000 Genomes Project 0.00160; 1000 Genomes Project 30x 0.00203; ExAC 0.00417.
gnomAD v4.1: 317 of 456,114 alleles (0.07%); highest among the groups gnomAD compares: South Asian, 0.45%; 3 homozygotes.

Submission:

CeGaT Center for Human Genetics Tuebingen
Classification: Likely benign. Last evaluated: 2023-02-01. Review status: criteria provided, single submitter. Criteria: CeGaT Center For Human Genetics Tuebingen Variant Classification Criteria Version 2. Collection method: clinical testing. Allele origin: germline. Affected: yes. Observed: 1 variant allele.
Comment: ZMIZ1: BS1